The following is an entry in ClinVar:

ClinVar aggregate classification (germline): Likely benign (1 of 4 stars; one submission).

Conditions:
SLC51A-related disorder. Also called: SLC51A-related condition.

gnomAD v4.1: 3 of 1,589,206 alleles (0.00019%); highest among the groups gnomAD compares: Admixed American, 0.0054%; no homozygotes.

Submission:

PreventionGenetics, part of Exact Sciences
Classification: Likely benign for SLC51A-related condition. Last evaluated: 2025-03-26. Review status: criteria provided, single submitter. Criteria: ACMG Guidelines, 2015. Collection method: clinical testing. Allele origin: germline.
Comment: This variant is classified as likely benign based on ACMG/AMP sequence variant interpretation guidelines (Richards et al. 2015 PMID: 25741868, with internal and published modifications).

NM_152672.6(SLC51A):c.634-7C>T

Gene: SLC51A (solute carrier family 51 member A; plus strand). Cytogenetic location: 3q29.
Variant type: single nucleotide variant.
Coding change: c.634-7C>T on transcript NM_152672.6 (MANE Select); 7 bases into the intron before coding-DNA position 634, C replaced by T.
Molecular consequence: intron variant.
Genome position (GRCh38, 1-based): chr3:196,229,908, C>T. VCF-style: chr3-196229908-C-T. GRCh37 (hg19) VCF-style: chr3-195956779-C-T.
Identifiers: ClinVar variation 4987638 (VCV004987638.1).